The following is an entry in ClinVar:

ClinVar aggregate classification (germline): Uncertain significance (1 of 4 stars; one submission).

Conditions:
Myopathy, proximal, and ophthalmoplegia (CMYO6). Also called: MYOPATHY WITH CONGENITAL JOINT CONTRACTURES, OPHTHALMOPLEGIA, AND RIMMED VACUOLES; CONGENITAL MYOPATHY 6 WITH OPHTHALMOPLEGIA; INCLUSION BODY MYOPATHY 3, AUTOSOMAL DOMINANT. Identifiers: Orphanet 363677, Orphanet 79091, MedGen C1854106, MONDO:0011577, OMIM 605637.

Allele frequency attached by ClinVar (database versions not stated): gnomAD exomes below 0.00001.
gnomAD v4.1: 6 of 1,614,214 alleles (0.00037%); highest among the groups gnomAD compares: Non-Finnish European, 0.00051%; no homozygotes.

Submission:

Labcorp Genetics (formerly Invitae), Labcorp
Classification: Uncertain significance for Myopathy, proximal, and ophthalmoplegia. Last evaluated: 2023-08-03. Review status: criteria provided, single submitter. Criteria: Invitae Variant Classification Sherloc (09022015). Collection method: clinical testing. Allele origin: germline.
Comment: In summary, the available evidence is currently insufficient to determine the role of this variant in disease. Therefore, it has been classified as a Variant of Uncertain Significance. Advanced modeling of protein sequence and biophysical properties (such as structural, functional, and spatial information, amino acid conservation, physicochemical variation, residue mobility, and thermodynamic stability) performed at Invitae indicates that this missense variant is not expected to disrupt MYH2 protein function. This variant has not been reported in the literature in individuals affected with MYH2-related conditions. This variant is not present in population databases (gnomAD no frequency). This sequence change replaces lysine, which is basic and polar, with asparagine, which is neutral and polar, at codon 1837 of the MYH2 protein (p.Lys1837Asn).

NM_017534.6(MYH2):c.5511G>C (p.Lys1837Asn)

Genes: MYH2 (myosin heavy chain 2; minus strand), MYHAS (myosin heavy chain gene cluster antisense RNA; plus strand). Cytogenetic location: 17p13.1.
Variant type: single nucleotide variant.
Coding change: c.5511G>C on transcript NM_017534.6 (MANE Select); coding-DNA position 5511, G replaced by C.
Protein change: p.Lys1837Asn; replaces lysine 1837 with asparagine.
Molecular consequence: missense variant.
Genome position (GRCh38, 1-based): chr17:10,523,374, C>G on the plus strand (G>C on the coding strand, the complement: MYH2 is on the minus strand). VCF-style: chr17-10523374-C-G. GRCh37 (hg19) VCF-style: chr17-10426691-C-G.
Other names: c.5511G>C, p.Lys1837Asn (NM_001100112.2); short protein forms K1837N.
Identifiers: ClinVar variation 2958708 (VCV002958708.3), dbSNP rs930969999, ClinGen allele CA287734711.